The following is an entry in ClinVar:

ClinVar aggregate classification (germline): Uncertain significance. Review status: criteria provided, multiple submitters, no conflicts (2 of 4 stars). 2 submissions from 2 submitters: Uncertain significance (2). Last evaluated 2024-06-23.

Conditions:
Hereditary nonpolyposis colorectal neoplasms. Identifiers: MedGen C0009405, MeSH D003123.
Hereditary cancer-predisposing syndrome. Also called: Neoplastic Syndromes, Hereditary; Hereditary Cancer Syndrome; Tumor predisposition; Hereditary neoplastic syndrome. Identifiers: Orphanet 140162, MedGen C0027672, MeSH D009386, MONDO:0015356.

Submissions (2):

Ambry Genetics
Classification: Uncertain significance for Hereditary cancer-predisposing syndrome. Last evaluated: 2024-06-23. Review status: criteria provided, single submitter. Criteria: Ambry Variant Classification Scheme 2023. Collection method: clinical testing. Allele origin: germline.
Comment: The p.P654T variant (also known as c.1960C>A), located in coding exon 11 of the PMS2 gene, results from a C to A substitution at nucleotide position 1960. The proline at codon 654 is replaced by threonine, an amino acid with highly similar properties. This amino acid position is conserved. In addition, the in silico prediction for this alteration is inconclusive. Based on the available evidence, the clinical significance of this variant remains unclear.

Labcorp Genetics (formerly Invitae), Labcorp
Classification: Uncertain significance for Hereditary nonpolyposis colorectal neoplasms. Last evaluated: 2023-01-31. Review status: criteria provided, single submitter. Criteria: Invitae Variant Classification Sherloc (09022015). Collection method: clinical testing. Allele origin: germline.
Comment: This variant has not been reported in the literature in individuals affected with PMS2-related conditions. In summary, the available evidence is currently insufficient to determine the role of this variant in disease. Therefore, it has been classified as a Variant of Uncertain Significance. Advanced modeling of protein sequence and biophysical properties (such as structural, functional, and spatial information, amino acid conservation, physicochemical variation, residue mobility, and thermodynamic stability) performed at Invitae indicates that this missense variant is expected to disrupt PMS2 protein function. This variant is not present in population databases (gnomAD no frequency). This sequence change replaces proline, which is neutral and non-polar, with threonine, which is neutral and polar, at codon 654 of the PMS2 protein (p.Pro654Thr).

NM_000535.7(PMS2):c.1960C>A (p.Pro654Thr)

Gene: PMS2 (PMS1 homolog 2, mismatch repair system component; minus strand). Cytogenetic location: 7p22.1.
Variant type: single nucleotide variant.
Coding change: c.1960C>A on transcript NM_000535.7 (MANE Select); coding-DNA position 1960, C replaced by A.
Protein change: p.Pro654Thr; replaces proline 654 with threonine.
Molecular consequence: missense variant. On other transcripts: non-coding transcript variant (1).
Genome position (GRCh38, 1-based): chr7:5,986,805, G>T on the plus strand (C>A on the coding strand, the complement: PMS2 is on the minus strand). VCF-style: chr7-5986805-G-T. GRCh37 (hg19) VCF-style: chr7-6026436-G-T.
Other names: c.1555C>A, p.Pro519Thr (NM_001018040.1, NM_001322003.2, NM_001322004.2 and 17 more transcripts); c.1804C>A, p.Pro602Thr (NM_001322006.2, NM_001406870.1); c.1642C>A, p.Pro548Thr (NM_001322007.2, NM_001322008.2, NM_001406876.1 and 2 more transcripts); c.1399C>A, p.Pro467Thr (NM_001322010.2, NM_001406906.1, NM_001406907.1); c.1027C>A, p.Pro343Thr (NM_001322011.2, NM_001322012.2); c.1387C>A, p.Pro463Thr (NM_001322013.2, NM_001406909.1); c.1960C>A, p.Pro654Thr (NM_001322014.2, NM_001406871.1, NM_001406872.1); c.1651C>A, p.Pro551Thr (NM_001322015.2, NM_001406875.1, NM_001406877.1 and 5 more transcripts); and 12 more; short protein forms P463T, P519T, P602T, P467T, P483T, P499T, P546T, P548T.
Identifiers: ClinVar variation 1915531 (VCV001915531.6), dbSNP rs1583313284, ClinGen allele CA366739069.